The following is an entry in ClinVar:

ClinVar aggregate classification (germline): Uncertain significance (1 of 4 stars; one submission).

Submission:

GeneDx
Classification: Uncertain significance. Last evaluated: 2025-04-01. Review status: criteria provided, single submitter. Criteria: GeneDx Variant Classification Process June 2021. Collection method: clinical testing. Allele origin: germline. Affected: yes.
Comment: Not observed at significant frequency in large population cohorts (gnomAD); In silico analysis supports that this missense variant has a deleterious effect on protein structure/function; Has not been previously published as pathogenic or benign to our knowledge

NM_001270.4(CHD1):c.2260G>C (p.Glu754Gln)

Gene: CHD1 (chromodomain helicase DNA binding protein 1; minus strand). Cytogenetic location: 5q15.
Variant type: single nucleotide variant.
Coding change: c.2260G>C on transcript NM_001270.4 (MANE Select); coding-DNA position 2260, G replaced by C.
Protein change: p.Glu754Gln; replaces glutamic acid 754 with glutamine.
Molecular consequence: missense variant. On other transcripts: non-coding transcript variant (2).
Genome position (GRCh38, 1-based): chr5:98,889,159, C>G on the plus strand (G>C on the coding strand, the complement: CHD1 is on the minus strand). VCF-style: chr5-98889159-C-G. GRCh37 (hg19) VCF-style: chr5-98224863-C-G.
Other names: c.2260G>C, p.Glu754Gln (NM_001364113.3, NM_001376194.2); short protein forms E754Q.
Identifiers: ClinVar variation 4278897 (VCV004278897.1).
Genomic context (GRCh38, chr5:98,889,159, plus strand): 5'-AGAATTCATTATTATCTGGTGGTTTAATGAGGTAGCAATGGTTACAACATTTCTTTAGCT[C>G]CATCATAATGTTCAAAAAGCCTGAGGTACTGCCCTTGGAACCTTTGCTGAGGGCTTTGTA-3'
Protein context (NP_001261.2, residues 744-764): STSGFLNIMM[Glu754Gln]LKKCCNHCYL